The following is an entry in ClinVar:

NM_015576.3(ERC2):c.1245C>T (p.Arg415=)

Gene: ERC2 (ELKS/RAB6-interacting/CAST family member 2; minus strand). Cytogenetic location: 3p14.3.
Variant type: single nucleotide variant.
Coding change: c.1245C>T on transcript NM_015576.3 (MANE Select); coding-DNA position 1245, C replaced by T.
Protein change: p.Arg415=; no amino-acid change (arginine 415 retained).
Molecular consequence: synonymous variant. On other transcripts: non-coding transcript variant (1).
Genome position (GRCh38, 1-based): chr3:56,149,037, G>A on the plus strand (C>T on the coding strand, the complement: ERC2 is on the minus strand). VCF-style: chr3-56149037-G-A. GRCh37 (hg19) VCF-style: chr3-56183065-G-A.
Identifiers: ClinVar variation 2653906 (VCV002653906.24), dbSNP rs186918021, ClinGen allele CA2459697.

ClinVar aggregate classification (germline): Likely benign (1 of 4 stars; one submission).

Allele frequency attached by ClinVar (database versions not stated): 1000 Genomes Project 30x 0.00094; 1000 Genomes Project 0.00100; ESP Exome Variant Server 0.00158; gnomAD exomes 0.00209; ExAC 0.00254.
gnomAD v4.1: 3,373 of 1,613,188 alleles (0.21%); highest among the groups gnomAD compares: Middle Eastern, 1.1%; 6 homozygotes.

Submission:

CeGaT Center for Human Genetics Tuebingen
Classification: Likely benign. Last evaluated: 2023-04-01. Review status: criteria provided, single submitter. Criteria: CeGaT Center For Human Genetics Tuebingen Variant Classification Criteria Version 2. Collection method: clinical testing. Allele origin: germline. Affected: yes. Observed: 1 variant allele.
Comment: ERC2: BP4, BP7